The following is an entry in ClinVar:

NM_000130.5(F5):c.4205_4209dup (p.Pro1404fs)

Gene: F5 (coagulation factor V; minus strand). Cytogenetic location: 1q24.2.
Variant type: Duplication.
Coding change: c.4205_4209dup on transcript NM_000130.5 (MANE Select); coding-DNA positions 4205 to 4209, 5 bases duplicated (TTACC; older notation c.4205_4209dupTTACC).
Protein change: p.Pro1404fs; shifts the reading frame from proline 1404.
Molecular consequence: frameshift variant.
Genome position (GRCh38, 1-based): chr1:169,540,881-169,540,885, GGTAA duplicated on the plus strand (TTACC on the coding strand, the reverse complement: F5 is on the minus strand); duplicating any 5 consecutive bases within chr1:169,540,881-169,540,887 gives the same sequence; the c. name uses the placement nearest the transcript's 3' end. VCF-style (leftmost placement, unchanged base first): chr1-169540880-G-GGGTAA. GRCh37 (hg19) VCF-style: chr1-169510118-G-GGGTAA.
Other names: short protein forms P1404fs.
Identifiers: ClinVar variation 3641202 (VCV003641202.2).

ClinVar aggregate classification (germline): Pathogenic (1 of 4 stars; one submission).

Conditions:
Congenital factor V deficiency. Also called: Hereditary factor V deficiency disease; LABILE FACTOR DEFICIENCY; OWREN PARAHEMOPHILIA; PARAHEMOPHILIA. Identifiers: Orphanet 326, MedGen C0015499, MONDO:0009210, OMIM 227400.

Submission:

Labcorp Genetics (formerly Invitae), Labcorp
Classification: Pathogenic for Congenital factor V deficiency. Last evaluated: 2024-02-16. Review status: criteria provided, single submitter. Criteria: Invitae Variant Classification Sherloc (09022015). Collection method: clinical testing. Allele origin: germline.
Comment: This sequence change creates a premature translational stop signal (p.Pro1404Leufs*8) in the F5 gene. It is expected to result in an absent or disrupted protein product. Loss-of-function variants in F5 are known to be pathogenic (PMID: 30924984). This variant is not present in population databases (gnomAD no frequency). This variant has not been reported in the literature in individuals affected with F5-related conditions. For these reasons, this variant has been classified as Pathogenic.

Literature cited by the submitters: PubMed 30924984.